The following is an entry in ClinVar:

ClinVar aggregate classification (germline): Pathogenic. Review status: criteria provided, multiple submitters, no conflicts (2 of 4 stars). 2 submissions from 2 submitters: Pathogenic (2). Last evaluated 2025-05-27.

Conditions:
Cohen syndrome (COH1). Also called: Cutis verticis gyrata, retinitis pigmentosa, and sensorineural deafness; PEPPER SYNDROME. Identifiers: Orphanet 193, MedGen C0265223, MONDO:0008999, OMIM 216550.

Submissions (2):

Natera, Inc.
Classification: Pathogenic for Cohen syndrome. Last evaluated: 2025-05-27. Review status: criteria provided, single submitter. Criteria: Natera Variant Classification Schema (03/2026). Collection method: clinical testing. Allele origin: germline.
Comment: The c.2381delC variant in VPS13B is a frameshift variant predicted to shift the reading frame beginning at codon 794 and leads to a stop codon 33 codons downstream. This variant is expected to result in nonsense mediated decay, truncation, or a dysfunctional protein product. This variant is rare in the general population with a frequency below the threshold expected for the associated phenotype(s). This variant has been observed in one or more individuals affected with the associated recessive disease, as either homozygous or compound heterozygous with a second variant (PMID: 35616356). Given the available evidence, this variant is classified as Pathogenic.

Labcorp Genetics (formerly Invitae), Labcorp
Classification: Pathogenic for Cohen syndrome. Last evaluated: 2022-10-02. Review status: criteria provided, single submitter. Criteria: Invitae Variant Classification Sherloc (09022015). Collection method: clinical testing. Allele origin: germline.
Comment: For these reasons, this variant has been classified as Pathogenic. ClinVar contains an entry for this variant (Variation ID: 1377088). This variant has not been reported in the literature in individuals affected with VPS13B-related conditions. This variant is not present in population databases (gnomAD no frequency). This sequence change creates a premature translational stop signal (p.Pro794Glnfs*33) in the VPS13B gene. It is expected to result in an absent or disrupted protein product. Loss-of-function variants in VPS13B are known to be pathogenic (PMID: 15141358, 16648375, 20461111).

Literature cited by the submitters: PubMed 35616356 (cited by Natera, Inc.); PubMed 15141358 (cited by Labcorp Genetics (formerly Invitae), Labcorp); PubMed 16648375 (cited by Labcorp Genetics (formerly Invitae), Labcorp); PubMed 20461111 (cited by Labcorp Genetics (formerly Invitae), Labcorp).

NM_152564.5(VPS13B):c.2381del (p.Pro794fs)

Gene: VPS13B (vacuolar protein sorting 13 homolog B; plus strand). Cytogenetic location: 8q22.2.
Variant type: Deletion.
Coding change: c.2381del on transcript NM_152564.5 (MANE Select); coding-DNA position 2381, one base deleted (C; older notation c.2381delC).
Protein change: p.Pro794fs; shifts the reading frame from proline 794.
Molecular consequence: frameshift variant.
Genome position (GRCh38, 1-based): chr8:99,192,923, C deleted; the last of 2 consecutive C bases (chr8:99,192,922-99,192,923); deleting either gives the same sequence. VCF-style (leftmost placement, unchanged base first): chr8-99192921-TC-T. GRCh37 (hg19) VCF-style: chr8-100205149-TC-T.
Other names: c.2381delC (NM_017890.4); c.2381del, p.Pro794fs (NM_015243.3, NM_017890.5); short protein forms P794fs.
Identifiers: ClinVar variation 1377088 (VCV001377088.7), dbSNP rs2132728101, ClinGen allele CA2573143563.
Genomic context (GRCh38, chr8:99,192,921, plus strand): 5'-TGTTTTCTTGTGCAGGACCAAAAGATCTCAGATTGCTATAACTGAAGGTATATTTGAACT[TC>T]CAAATCTCACAATTCAAGCTACAAGAGCACAGACACTTCTCTTGCAAGCAATATATCAAA-3'